The following is an entry in ClinVar:

ClinVar aggregate classification (germline): Benign/Likely benign. Review status: criteria provided, multiple submitters, no conflicts (2 of 4 stars). 6 submissions from 6 submitters: Benign (1); Likely benign (5). Last evaluated 2026-05-01.

Conditions:
Hypoparathyroidism, deafness, renal disease syndrome (HDRS). Also called: HYPOPARATHYROIDISM, SENSORINEURAL DEAFNESS, AND RENAL DYSPLASIA SYNDROME. Identifiers: Orphanet 2237, MedGen C1840333, MONDO:0007797, OMIM 146255.

Allele frequency attached by ClinVar (database versions not stated): 1000 Genomes Project 30x 0.00016; 1000 Genomes Project 0.00020; ExAC 0.00066; gnomAD exomes 0.00076; gnomAD 0.00088 and 0.00090; TOPMed 0.00092; ESP Exome Variant Server 0.00169.
gnomAD v4.1: 2,581 of 1,614,166 alleles (0.16%); highest among the groups gnomAD compares: Non-Finnish European, 0.2%; 7 homozygotes.

Submissions (6):

CeGaT Center for Human Genetics Tuebingen
Classification: Likely benign. Last evaluated: 2026-05-01. Review status: criteria provided, single submitter. Criteria: CeGaT Center For Human Genetics Tuebingen Variant Classification Criteria Version 2. Collection method: clinical testing. Allele origin: germline. Affected: yes. Observed: 6 variant alleles.
Comment: GATA3: BP4, BS1

Labcorp Genetics (formerly Invitae), Labcorp
Classification: Likely benign. Last evaluated: 2025-11-19. Review status: criteria provided, single submitter. Criteria: Invitae Variant Classification Sherloc (09022015). Collection method: clinical testing. Allele origin: germline.

Blueprint Genetics
Classification: Likely benign. Last evaluated: 2024-11-08. Review status: criteria provided, single submitter. Criteria: ACMG Guidelines, 2015. Collection method: clinical testing. Allele origin: germline.

GeneDx
Classification: Likely benign. Last evaluated: 2020-10-29. Review status: criteria provided, single submitter. Criteria: GeneDx Variant Classification Process June 2021. Collection method: clinical testing. Allele origin: germline. Affected: yes.

Illumina Laboratory Services, Illumina
Classification: Benign for Hypoparathyroidism, deafness, renal disease syndrome. Last evaluated: 2018-01-13. Review status: criteria provided, single submitter. Criteria: ICSL Variant Classification Criteria 13 December 2019. Collection method: clinical testing. Allele origin: germline.
Comment: This variant was observed in the ICSL laboratory as part of a predisposition screen in an ostensibly healthy population. It had not been previously curated by ICSL or reported in the Human Gene Mutation Database (HGMD: prior to June 1st, 2018), and was therefore a candidate for classification through an automated scoring system. Utilizing variant allele frequency, disease prevalence and penetrance estimates, and inheritance mode, an automated score was calculated to assess if this variant is too frequent to cause the disease. Based on the score and internal cut-off values, a variant classified as benign is not then subjected to further curation. The score for this variant resulted in a classification of benign for this disease.

Breakthrough Genomics
Classification: Likely benign. Review status: criteria provided, single submitter. Criteria: ACMG Guidelines, 2015. Collection method: not provided. Allele origin: germline. Inheritance: Autosomal dominant inheritance. Affected: yes.

NM_001002295.2(GATA3):c.1179C>T (p.Asn393=)

Gene: GATA3 (GATA binding protein 3; plus strand). Cytogenetic location: 10p14.
Variant type: single nucleotide variant.
Coding change: c.1179C>T on transcript NM_001002295.2 (MANE Select); coding-DNA position 1179, C replaced by T.
Protein change: p.Asn393=; no amino-acid change (asparagine 393 retained).
Molecular consequence: synonymous variant.
Genome position (GRCh38, 1-based): chr10:8,073,867, C>T. VCF-style: chr10-8073867-C-T. GRCh37 (hg19) VCF-style: chr10-8115830-C-T.
Other names: c.1176C>T, p.Asn392= (NM_002051.3).
Identifiers: ClinVar variation 301127 (VCV000301127.47), dbSNP rs138679257, ClinGen allele CA5404561.